The following is an entry in ClinVar:

ClinVar aggregate classification (germline): Uncertain significance (1 of 4 stars; one submission).

Submission:

GeneDx
Classification: Uncertain significance. Last evaluated: 2025-06-09. Review status: criteria provided, single submitter. Criteria: GeneDx Variant Classification Process June 2021. Collection method: clinical testing. Allele origin: germline. Affected: yes.
Comment: Not observed at significant frequency in large population cohorts (gnomAD); In silico analysis supports that this missense variant has a deleterious effect on protein structure/function; Has not been previously published as pathogenic or benign to our knowledge

NM_001349798.2(FBXW7):c.1429G>A (p.Gly477Ser)

Gene: FBXW7 (F-box and WD repeat domain containing 7; minus strand). Cytogenetic location: 4q31.3.
Variant type: single nucleotide variant.
Coding change: c.1429G>A on transcript NM_001349798.2 (MANE Select); coding-DNA position 1429, G replaced by A.
Protein change: p.Gly477Ser; replaces glycine 477 with serine.
Molecular consequence: missense variant.
Genome position (GRCh38, 1-based): chr4:152,326,221, C>T on the plus strand (G>A on the coding strand, the complement: FBXW7 is on the minus strand). VCF-style: chr4-152326221-C-T. GRCh37 (hg19) VCF-style: chr4-153247373-C-T.
Other names: c.1075G>A, p.Gly359Ser (NM_001013415.2); c.1189G>A, p.Gly397Ser (NM_018315.5); c.1429G>A, p.Gly477Ser (NM_033632.3); short protein forms G359S, G397S, G477S.
Identifiers: ClinVar variation 4537601 (VCV004537601.1).